The following is an entry in ClinVar:

NM_003737.4(DCHS1):c.7912C>G (p.Arg2638Gly)

Gene: DCHS1 (dachsous cadherin-related 1; minus strand). Cytogenetic location: 11p15.4.
Variant type: single nucleotide variant.
Coding change: c.7912C>G on transcript NM_003737.4 (MANE Select); coding-DNA position 7912, C replaced by G.
Protein change: p.Arg2638Gly; replaces arginine 2638 with glycine.
Molecular consequence: missense variant.
Genome position (GRCh38, 1-based): chr11:6,623,764, G>C on the plus strand (C>G on the coding strand, the complement: DCHS1 is on the minus strand). VCF-style: chr11-6623764-G-C. GRCh37 (hg19) VCF-style: chr11-6644995-G-C.
Other names: short protein forms R2638G.
Identifiers: ClinVar variation 2799202 (VCV002799202.3), dbSNP rs980046566, ClinGen allele CA379482116.
Genomic context (GRCh38, chr11:6,623,764, plus strand): 5'-TGCCTGAGCTCTCATCCAGCTCAAAGAGCCCTGATGGGTCGCCTGAGCTGACAGTGAAAC[G>C]CACGAGGCCATGAGGGCCAGGGTCAGCGTCAGAGGCCTCTACATGCAGCAGCTCAGCTCC-3'
Protein context (NP_003728.1, residues 2628-2648): DADPGPHGLV[Arg2638Gly]FTVSSGDPSG

ClinVar aggregate classification (germline): Uncertain significance (1 of 4 stars; one submission).

gnomAD v4.1: 6 of 1,613,960 alleles (0.00037%); highest among the groups gnomAD compares: Non-Finnish European, 0.00051%; no homozygotes.

Submission:

Labcorp Genetics (formerly Invitae), Labcorp
Classification: Uncertain significance. Last evaluated: 2024-07-13. Review status: criteria provided, single submitter. Criteria: Invitae Variant Classification Sherloc (09022015). Collection method: clinical testing. Allele origin: germline.
Comment: This sequence change replaces arginine, which is basic and polar, with glycine, which is neutral and non-polar, at codon 2638 of the DCHS1 protein (p.Arg2638Gly). This variant is not present in population databases (gnomAD no frequency). This variant has not been reported in the literature in individuals affected with DCHS1-related conditions. Advanced modeling of protein sequence and biophysical properties (such as structural, functional, and spatial information, amino acid conservation, physicochemical variation, residue mobility, and thermodynamic stability) performed at Invitae indicates that this missense variant is expected to disrupt DCHS1 protein function with a positive predictive value of 80%. In summary, the available evidence is currently insufficient to determine the role of this variant in disease. Therefore, it has been classified as a Variant of Uncertain Significance.